The following is an entry in ClinVar:

NM_016383.5(LUZP4):c.770A>G (p.Lys257Arg)

Gene: LUZP4 (leucine zipper protein 4; plus strand). Cytogenetic location: Xq23.
Variant type: single nucleotide variant.
Coding change: c.770A>G on transcript NM_016383.5 (MANE Select); coding-DNA position 770, A replaced by G.
Protein change: p.Lys257Arg; replaces lysine 257 with arginine.
Molecular consequence: missense variant.
Genome position (GRCh38, 1-based): chrX:115,306,632, A>G. VCF-style: chrX-115306632-A-G. GRCh37 (hg19) VCF-style: chrX-114541197-A-G.
Other names: c.524A>G, p.Lys175Arg (NM_001318840.2); short protein forms K175R, K257R.
Identifiers: ClinVar variation 2661250 (VCV002661250.24), dbSNP rs143490659, ClinGen allele CA10496760.

ClinVar aggregate classification (germline): Likely benign (1 of 4 stars; one submission).

Allele frequency attached by ClinVar (database versions not stated): gnomAD exomes 0.00007; ExAC 0.00016; gnomAD 0.00030; 1000 Genomes Project 0.00212.

Submission:

CeGaT Center for Human Genetics Tuebingen
Classification: Likely benign. Last evaluated: 2025-06-01. Review status: criteria provided, single submitter. Criteria: CeGaT Center For Human Genetics Tuebingen Variant Classification Criteria Version 2. Collection method: clinical testing. Allele origin: germline. Affected: yes. Observed: 2 variant alleles.
Comment: LUZP4: BP4, BS2